The following is an entry in ClinVar:

NM_003361.4(UMOD):c.202G>A (p.Glu68Lys)

Gene: UMOD (uromodulin; minus strand). Cytogenetic location: 16p12.3.
Variant type: single nucleotide variant.
Coding change: c.202G>A on transcript NM_003361.4 (MANE Select); coding-DNA position 202, G replaced by A.
Protein change: p.Glu68Lys; replaces glutamic acid 68 with lysine.
Molecular consequence: missense variant. On other transcripts: non-coding transcript variant (1).
Genome position (GRCh38, 1-based): chr16:20,349,099, C>T on the plus strand (G>A on the coding strand, the complement: UMOD is on the minus strand). VCF-style: chr16-20349099-C-T. GRCh37 (hg19) VCF-style: chr16-20360421-C-T.
Other names: c.202G>A, p.Glu68Lys (NM_001008389.3, NM_001378232.1, NM_001378233.1 and 3 more transcripts); c.301G>A, p.Glu101Lys (NM_001278614.2); c.202G>A (NM_003361.2); short protein forms E68K, E101K.
Identifiers: ClinVar variation 917864 (VCV000917864.7), dbSNP rs1965761636, ClinGen allele CA394987445.
Genomic context (GRCh38, chr16:20,349,099, plus strand): 5'-CTGGCGTGTTTACGCAGCTGCTGTTGGCGGAGCAGTTGTGAGCTCCAGGAATGGCGCACT[C>T]ATCCAGGTCCACGCAGGTCAGGCCATCGCCGGTGAAGCCCTCCTGACAGGTGCACGTCGT-3'
Protein context (NP_003352.2, residues 58-78): GDGLTCVDLD[Glu68Lys]CAIPGAHNCS

ClinVar aggregate classification (germline): Conflicting classifications of pathogenicity. Review status: criteria provided, conflicting classifications (1 of 4 stars). 5 submissions from 5 submitters: Likely pathogenic (1); Uncertain significance (3). 1 of the submissions does not count toward it. Last evaluated 2026-04-06.

Conditions:
Kidney failure. Identifiers: MedGen C0035078, MONDO:0001106.
UMOD-related disorder. Also called: UMOD-related condition.
Familial juvenile hyperuricemic nephropathy type 1 (ADTKD1). Also called: Autosomal Dominant Tubulointerstitial Kidney Disease – UMOD; UMOD-Associated Kidney Disease; Uromodulin-associated kidney disease; Glomerulocystic kidney disease with hyperuricemia and isosthenuria; Medullary cystic kidney disease 2. Identifiers: Orphanet 209886, Orphanet 34149, Orphanet 88950, MedGen C4551496, MONDO:0008073, OMIM 162000.

Submissions (5):

PreventionGenetics, part of Exact Sciences
Classification: Likely pathogenic for UMOD-related condition. Last evaluated: 2026-04-06. Review status: criteria provided, single submitter. Criteria: ACMG Guidelines, 2015. Collection method: clinical testing. Allele origin: germline.
Comment: The UMOD c.202G>A variant is predicted to result in the amino acid substitution p.Glu68Lys. This variant was reported in two presumably unrelated individuals with autosomal dominant tubulointerstitial kidney disease (ADTKD) (Gast et al. 2018. PubMed ID: 30376835; Olinger et al. 2020. PubMed ID: 32450155, Suppl. Table S1). This variant has not been reported in a large population database, indicating this variant is rare. This variant is interpreted as likely pathogenic.

Athena Diagnostics
Classification: Uncertain significance. Last evaluated: 2024-12-12. Review status: criteria provided, single submitter. Criteria: Athena Diagnostics Criteria. Collection method: clinical testing. Allele origin: unknown.
Comment: Available data are insufficient to determine the clinical significance of the variant at this time. This variant has not been reported in large, multi-ethnic general populations. This variant has been identified in at least one individual with clinical features associated with this gene. Polyphen and MutationTaster predict this amino acid change may be damaging to the protein.

Fulgent Genetics
Classification: Uncertain significance for Familial juvenile hyperuricemic nephropathy type 1. Last evaluated: 2021-07-08. Review status: criteria provided, single submitter. Criteria: ACMG Guidelines, 2015. Collection method: clinical testing. Allele origin: unknown.

Cambridge Genomics Laboratory, East Genomic Laboratory Hub, NHS Genomic Medicine Service
Classification: Uncertain significance for Kidney failure. Last evaluated: 2020-01-29. Review status: criteria provided, single submitter. Criteria: ACGS Best Practice Guidelines for Variant Classification in Rare Disease 2020. Collection method: clinical testing. Allele origin: germline. Affected: yes. Observed: 1 variant allele.

Institute of Human Genetics, Cologne University
Classification: Uncertain significance for Familial juvenile hyperuricemic nephropathy type 1. Review status: no assertion criteria provided. Collection method: clinical testing. Allele origin: unknown. Inheritance: Autosomal dominant inheritance. Affected: yes. Observed: 1 heterozygote. Not counted in ClinVar's aggregate classification.

Literature cited by the submitters: PubMed 30376835 (cited by Athena Diagnostics); PubMed 32450155 (cited by Athena Diagnostics); PubMed 34519781 (cited by Athena Diagnostics); PubMed 32954071 (cited by Athena Diagnostics); PubMed 28781372 (cited by Athena Diagnostics).